The following is an entry in ClinVar:

NM_001846.4(COL4A2):c.1162C>A (p.Pro388Thr)

Gene: COL4A2 (collagen type IV alpha 2 chain; plus strand). Cytogenetic location: 13q34.
Variant type: single nucleotide variant.
Coding change: c.1162C>A on transcript NM_001846.4 (MANE Select); coding-DNA position 1162, C replaced by A.
Protein change: p.Pro388Thr; replaces proline 388 with threonine.
Molecular consequence: missense variant.
Genome position (GRCh38, 1-based): chr13:110,449,762, C>A. VCF-style: chr13-110449762-C-A. GRCh37 (hg19) VCF-style: chr13-111102109-C-A.
Other names: short protein forms P388T.
Identifiers: ClinVar variation 3393811 (VCV003393811.1).
Genomic context (GRCh38, chr13:110,449,762, plus strand): 5'-CCAGGGGCCCAAGGGGAGCCAGGAAGCCAGGGTGAGCCAGGAGACCCGGGCCTCCCAGGT[C>A]CCCCTGGCCTCTCCATCGGAGATGGAGGTAATGTGGCTTCATAATATCAACACCGGAGAC-3'
Protein context (NP_001837.2, residues 378-398): GEPGDPGLPG[Pro388Thr]PGLSIGDGDQ

ClinVar aggregate classification (germline): Uncertain significance (1 of 4 stars; one submission).

gnomAD v4.1: 4 of 1,548,118 alleles (0.00026%); no homozygotes.

Submission:

GeneDx
Classification: Uncertain significance. Last evaluated: 2024-07-01. Review status: criteria provided, single submitter. Criteria: GeneDx Variant Classification Process June 2021. Collection method: clinical testing. Allele origin: germline. Affected: yes.
Comment: In silico analysis supports that this missense variant has a deleterious effect on protein structure/function; Has not been previously published as pathogenic or benign to our knowledge